The following is an entry in ClinVar:

NM_003072.5(SMARCA4):c.155C>T (p.Ala52Val)

Gene: SMARCA4 (SWI/SNF related BAF chromatin remodeling complex subunit ATPase 4; plus strand). Cytogenetic location: 19p13.2.
Variant type: single nucleotide variant.
Coding change: c.155C>T on transcript NM_003072.5 (MANE Select); coding-DNA position 155, C replaced by T.
Protein change: p.Ala52Val; replaces alanine 52 with valine.
Molecular consequence: missense variant. On other transcripts: non-coding transcript variant (1).
Genome position (GRCh38, 1-based): chr19:10,984,306, C>T. VCF-style: chr19-10984306-C-T. GRCh37 (hg19) VCF-style: chr19-11094982-C-T.
Other names: c.155C>T, p.Ala52Val (NM_001128844.3, NM_001128845.2, NM_001128846.2 and 6 more transcripts); c.155C>T (NM_001128849.1); short protein forms A52V.
Identifiers: ClinVar variation 2711492 (VCV002711492.4), dbSNP rs2145724951, ClinGen allele CA404054489.

ClinVar aggregate classification (germline): Uncertain significance. Review status: criteria provided, multiple submitters, no conflicts (2 of 4 stars). 2 submissions from 2 submitters: Uncertain significance (2). Last evaluated 2026-07-06.

Conditions:
Rhabdoid tumor predisposition syndrome 2 (RTPS2). Identifiers: Orphanet 231108, Orphanet 69077, MedGen C2750074, MONDO:0013224, OMIM 613325.
Hereditary cancer-predisposing syndrome. Also called: Hereditary neoplastic syndrome; Hereditary Cancer Syndrome; Neoplastic Syndromes, Hereditary; Tumor predisposition. Identifiers: Orphanet 140162, MedGen C0027672, MeSH D009386, MONDO:0015356.

Submissions (2):

Ambry Genetics
Classification: Uncertain significance for Hereditary cancer-predisposing syndrome. Last evaluated: 2026-07-06. Review status: criteria provided, single submitter. Criteria: Ambry Variant Classification Scheme 2023. Collection method: clinical testing. Allele origin: germline.
Comment: The p.A52V variant (also known as c.155C>T), located in coding exon 1 of the SMARCA4 gene, results from a C to T substitution at nucleotide position 155. The alanine at codon 52 is replaced by valine, an amino acid with similar properties. This amino acid position is conserved. In addition, this alteration is predicted to be tolerated by in silico analysis. Based on the available evidence, the clinical significance of this variant remains unclear.

Labcorp Genetics (formerly Invitae), Labcorp
Classification: Uncertain significance for Rhabdoid tumor predisposition syndrome 2. Last evaluated: 2024-03-24. Review status: criteria provided, single submitter. Criteria: Invitae Variant Classification Sherloc (09022015). Collection method: clinical testing. Allele origin: germline.
Comment: This sequence change replaces alanine, which is neutral and non-polar, with valine, which is neutral and non-polar, at codon 52 of the SMARCA4 protein (p.Ala52Val). This variant is not present in population databases (gnomAD no frequency). This variant has not been reported in the literature in individuals affected with SMARCA4-related conditions. Advanced modeling of protein sequence and biophysical properties (such as structural, functional, and spatial information, amino acid conservation, physicochemical variation, residue mobility, and thermodynamic stability) performed at Invitae indicates that this missense variant is not expected to disrupt SMARCA4 protein function with a negative predictive value of 95%. In summary, the available evidence is currently insufficient to determine the role of this variant in disease. Therefore, it has been classified as a Variant of Uncertain Significance.